The following is an entry in ClinVar:

ClinVar aggregate classification (germline): not provided. Review status: no classification provided (0 of 4 stars). 2 submissions from 1 submitter: not provided (2).

Conditions:
Normal pregnancy. Identifiers: MedGen C0232989.
Gestational diabetes mellitus uncontrolled. Identifiers: MedGen C3532257.

Submissions (2):

Institute of Molecular and Cell Biology, University of Tartu
No classification provided. Condition: Gestational diabetes mellitus uncontrolled. Review status: no classification provided. Collection method: case-control. Allele origin: unknown. Affected: yes. Study: Kasak2014.
Comment: The study aimed to determine the contribution of copy number variants in the genetic etiology of normal and complicated pregnancies. The samples represented (i) maternal blood DNA drawn from healthy pregnant women during 1st or 2nd trimester and (ii) maternal and paternal blood DNA drawn at term pregnancy cases representing normal and complicated gestations (severe preeclampsia, PE; gestational diabetes, GD; small-for-gestational age newborn, SGA; large-for-gestational age newborn, LGA). We performed CNV calling based on genome-wide genotyping dataset (Illumina HumanOmniExpress-24-v1 BeadChip) by applying three algorithms, QuantiSNP, GADA (Genome Alteration Detection Algorithm) and CNstream in parallel. The acquired CNV calls were merged with HD-CNV (Hotspot Detector for Copy Number Variants) program and only the CNVs predicted by at least two programs, were considered in subsequent analysis.

Institute of Molecular and Cell Biology, University of Tartu
No classification provided. Condition: Normal pregnancy. Review status: no classification provided. Collection method: case-control. Allele origin: unknown. Affected: yes. Study: Kasak2014.
Comment: the same text as in the submission from Institute of Molecular and Cell Biology, University of Tartu above.

Literature cited by the submitters: PubMed 25666259.

Single allele

Variant type: Deletion.
Identifiers: ClinVar variation 157214 (VCV000157214.2).